The following is an entry in ClinVar:

NM_014208.3(DSPP):c.2012G>A (p.Ser671Asn)

Genes: DMP1-AS1 (DMP1 and DSPP antisense RNA 1; minus strand), DSPP (dentin sialophosphoprotein; plus strand). Cytogenetic location: 4q22.1.
Variant type: single nucleotide variant.
Coding change: c.2012G>A on transcript NM_014208.3 (MANE Select); coding-DNA position 2012, G replaced by A.
Protein change: p.Ser671Asn; replaces serine 671 with asparagine.
Molecular consequence: missense variant.
Genome position (GRCh38, 1-based): chr4:87,614,674, G>A. VCF-style: chr4-87614674-G-A. GRCh37 (hg19) VCF-style: chr4-88535826-G-A.
Other names: short protein forms S671N.
Identifiers: ClinVar variation 994061 (VCV000994061.41), dbSNP rs200839637, ClinGen allele CA3001184.

ClinVar aggregate classification (germline): Benign/Likely benign. Review status: criteria provided, multiple submitters, no conflicts (2 of 4 stars). 8 submissions from 8 submitters: Benign (4); Likely benign (2). 2 of the submissions do not count toward it. Last evaluated 2025-08-18.

Conditions:
Inborn genetic diseases. Identifiers: MedGen C0950123, MeSH D030342.

Allele frequency attached by ClinVar (database versions not stated): 1000 Genomes Project 0.00419; ExAC 0.00460; 1000 Genomes Project 30x 0.00468; gnomAD exomes 0.00730 and 0.00978; gnomAD 0.00761 and 0.00769; TOPMed 0.00781.
gnomAD v4.1: 14,672 of 1,542,284 alleles (0.95%); highest among the groups gnomAD compares: Non-Finnish European, 1.1%; 100 homozygotes.

Submissions (8):

Genomic Medicine Center of Excellence, King Faisal Specialist Hospital and Research Centre
Classification: Likely benign. Last evaluated: 2025-08-18. Review status: criteria provided, single submitter. Criteria: ACMG Guidelines, 2015. Collection method: clinical testing. Allele origin: germline.

Blueprint Genetics
Classification: Benign. Last evaluated: 2024-11-26. Review status: criteria provided, single submitter. Criteria: ACMG Guidelines, 2015. Collection method: clinical testing. Allele origin: germline.

ARUP Laboratories, Molecular Genetics and Genomics, ARUP Laboratories
Classification: Benign. Last evaluated: 2023-10-02. Review status: criteria provided, single submitter. Criteria: ARUP Molecular Germline Variant Investigation Process 2024. Collection method: clinical testing. Allele origin: germline.

CeGaT Center for Human Genetics Tuebingen
Classification: Benign. Last evaluated: 2022-11-01. Review status: criteria provided, single submitter. Criteria: CeGaT Center For Human Genetics Tuebingen Variant Classification Criteria Version 2. Collection method: clinical testing. Allele origin: germline. Affected: yes. Observed: 5 variant alleles.
Comment: DSPP: PP3, BS1, BS2

Ambry Genetics
Classification: Likely benign for Inborn genetic diseases. Last evaluated: 2021-09-01. Review status: criteria provided, single submitter. Criteria: Ambry Variant Classification Scheme 2023. Collection method: clinical testing. Allele origin: germline.

Breakthrough Genomics
Classification: Benign. Review status: criteria provided, single submitter. Criteria: ACMG Guidelines, 2015. Collection method: not provided. Allele origin: germline. Inheritance: Autosomal dominant inheritance. Affected: yes.

Clinical Genetics DNA and cytogenetics Diagnostics Lab, Erasmus MC, Erasmus Medical Center
Classification: Likely benign. Review status: no assertion criteria provided. Collection method: clinical testing. Allele origin: germline. Affected: yes. Study: VKGL Data-share Consensus. Not counted in ClinVar's aggregate classification.

Laboratory of Diagnostic Genome Analysis, Leiden University Medical Center (LUMC)
Classification: Likely benign. Review status: no assertion criteria provided. Collection method: clinical testing. Allele origin: germline. Affected: yes. Study: VKGL Data-share Consensus. Not counted in ClinVar's aggregate classification.